The following is an entry in ClinVar:

NM_015557.3(CHD5):c.3866A>G (p.Lys1289Arg)

Gene: CHD5 (chromodomain helicase DNA binding protein 5; minus strand). Cytogenetic location: 1p36.31.
Variant type: single nucleotide variant.
Coding change: c.3866A>G on transcript NM_015557.3 (MANE Select); coding-DNA position 3866, A replaced by G.
Protein change: p.Lys1289Arg; replaces lysine 1289 with arginine.
Molecular consequence: missense variant.
Genome position (GRCh38, 1-based): chr1:6,128,083, T>C on the plus strand (A>G on the coding strand, the complement: CHD5 is on the minus strand). VCF-style: chr1-6128083-T-C. GRCh37 (hg19) VCF-style: chr1-6188143-T-C.
Other names: short protein forms K1289R.
Identifiers: ClinVar variation 3769749 (VCV003769749.1).

ClinVar aggregate classification (germline): Uncertain significance (1 of 4 stars; one submission).

Submission:

GeneDx
Classification: Uncertain significance. Last evaluated: 2024-09-15. Review status: criteria provided, single submitter. Criteria: GeneDx Variant Classification Process June 2021. Collection method: clinical testing. Allele origin: germline. Affected: yes.
Comment: Not observed at significant frequency in large population cohorts (gnomAD); In silico analysis supports that this missense variant has a deleterious effect on protein structure/function; Has not been previously published as pathogenic or benign to our knowledge